The following is an entry in ClinVar:

NM_001127671.2(LIFR):c.23del (p.Cys7_Leu8insTer)

Gene: LIFR (LIF receptor subunit alpha; minus strand). Cytogenetic location: 5p13.1.
Variant type: Deletion.
Coding change: c.23del on transcript NM_001127671.2 (MANE Select); coding-DNA position 23, one base deleted (T; older notation c.23delT).
Protein change: p.Cys7_Leu8insTer.
Molecular consequence: nonsense.
Genome position (GRCh38, 1-based): chr5:38,530,625, A deleted on the plus strand (T on the coding strand, the reverse complement: LIFR is on the minus strand); the first of 3 consecutive A bases (chr5:38,530,625-38,530,627); deleting any one gives the same sequence. VCF-style (leftmost placement, unchanged base first): chr5-38530624-CA-C. GRCh37 (hg19) VCF-style: chr5-38530726-CA-C.
Other names: c.23del, p.Cys7_Leu8insTer (NM_001364297.2, NM_001364298.2, NM_002310.6).
Identifiers: ClinVar variation 936674 (VCV000936674.10), dbSNP rs773896661, ClinGen allele CA3243372.

ClinVar aggregate classification (germline): Pathogenic/Likely pathogenic. Review status: criteria provided, multiple submitters, no conflicts (2 of 4 stars). 3 submissions from 3 submitters: Pathogenic (1); Likely pathogenic (2). Last evaluated 2024-03-06.

Conditions:
Stüve-Wiedemann syndrome 1. Also called: STUVE-WIEDEMANN/SCHWARTZ-JAMPEL TYPE 2 SYNDROME. Identifiers: Orphanet 3206, MedGen C5676888, MONDO:0800043, OMIM 601559.

Submissions (3):

Fulgent Genetics
Classification: Likely pathogenic for Stüve-Wiedemann syndrome 1. Last evaluated: 2024-03-06. Review status: criteria provided, single submitter. Criteria: ACMG Guidelines, 2015. Collection method: clinical testing. Allele origin: germline.

Revvity Omics, Revvity
Classification: Likely pathogenic for Stüve-Wiedemann syndrome 1. Last evaluated: 2024-02-08. Review status: criteria provided, single submitter. Criteria: ACMG Guidelines, 2015. Collection method: clinical testing. Allele origin: germline.

Labcorp Genetics (formerly Invitae), Labcorp
Classification: Pathogenic. Last evaluated: 2024-01-27. Review status: criteria provided, single submitter. Criteria: Invitae Variant Classification Sherloc (09022015). Collection method: clinical testing. Allele origin: germline.
Comment: This sequence change creates a premature translational stop signal (p.Leu8*) in the LIFR gene. It is expected to result in an absent or disrupted protein product. Loss-of-function variants in LIFR are known to be pathogenic (PMID: 14740318). This variant is present in population databases (rs773896661, gnomAD 0.07%). This variant has not been reported in the literature in individuals affected with LIFR-related conditions. ClinVar contains an entry for this variant (Variation ID: 936674). For these reasons, this variant has been classified as Pathogenic.

Literature cited by the submitters: PubMed 14740318 (cited by Labcorp Genetics (formerly Invitae), Labcorp).